The following is an entry in ClinVar:

NM_003922.4(HERC1):c.7363A>G (p.Thr2455Ala)

Gene: HERC1 (HECT and RLD domain containing E3 ubiquitin protein ligase family member 1; minus strand). Cytogenetic location: 15q22.31.
Variant type: single nucleotide variant.
Coding change: c.7363A>G on transcript NM_003922.4 (MANE Select); coding-DNA position 7363, A replaced by G.
Protein change: p.Thr2455Ala; replaces threonine 2455 with alanine.
Molecular consequence: missense variant.
Genome position (GRCh38, 1-based): chr15:63,674,825, T>C on the plus strand (A>G on the coding strand, the complement: HERC1 is on the minus strand). VCF-style: chr15-63674825-T-C. GRCh37 (hg19) VCF-style: chr15-63967024-T-C.
Other names: short protein forms T2455A.
Identifiers: ClinVar variation 1972165 (VCV001972165.5), dbSNP rs563040606, ClinGen allele CA7605162.

ClinVar aggregate classification (germline): Uncertain significance (1 of 4 stars; one submission).

Allele frequency attached by ClinVar (database versions not stated): gnomAD exomes below 0.00001; TOPMed below 0.00001; ExAC 0.00001; gnomAD 0.00001; 1000 Genomes Project 0.00020; 1000 Genomes Project 30x 0.00031.
gnomAD v4.1: 3 of 1,613,898 alleles (0.00019%); highest among the groups gnomAD compares: Admixed American, 0.0017%; no homozygotes.

Submission:

Labcorp Genetics (formerly Invitae), Labcorp
Classification: Uncertain significance. Last evaluated: 2022-04-26. Review status: criteria provided, single submitter. Criteria: Invitae Variant Classification Sherloc (09022015). Collection method: clinical testing. Allele origin: germline.
Comment: This variant has not been reported in the literature in individuals affected with HERC1-related conditions. In summary, the available evidence is currently insufficient to determine the role of this variant in disease. Therefore, it has been classified as a Variant of Uncertain Significance. Algorithms developed to predict the effect of missense changes on protein structure and function output the following: SIFT: "Tolerated"; PolyPhen-2: "Benign"; Align-GVGD: "Class C0". The alanine amino acid residue is found in multiple mammalian species, which suggests that this missense change does not adversely affect protein function. This variant is present in population databases (rs563040606, gnomAD 0.003%). This sequence change replaces threonine, which is neutral and polar, with alanine, which is neutral and non-polar, at codon 2455 of the HERC1 protein (p.Thr2455Ala).